The following is an entry in ClinVar:

NM_001276270.2(MBD4):c.875A>G (p.Asp292Gly)

Gene: MBD4 (methyl-CpG binding domain 4, DNA glycosylase; minus strand). Cytogenetic location: 3q21.3.
Variant type: single nucleotide variant.
Coding change: c.875A>G on transcript NM_001276270.2 (MANE Select); coding-DNA position 875, A replaced by G.
Protein change: p.Asp292Gly; replaces aspartic acid 292 with glycine.
Molecular consequence: missense variant. On other transcripts: intron variant (1).
Genome position (GRCh38, 1-based): chr3:129,436,769, T>C on the plus strand (A>G on the coding strand, the complement: MBD4 is on the minus strand). VCF-style: chr3-129436769-T-C. GRCh37 (hg19) VCF-style: chr3-129155612-T-C.
Other names: c.875A>G, p.Asp292Gly (NM_001276271.2, NM_001276272.2, NM_003925.3); c.247+1039A>G (NM_001276273.2); short protein forms D292G.
Identifiers: ClinVar variation 4859627 (VCV004859627.2).
Genomic context (GRCh38, chr3:129,436,769, plus strand): 5'-TTTTTTACAAGGCTGTTTTCTTCACTGGTCACACTGAGGGTCTCACCACATGCTCCAGCA[T>C]CAGAAATGCAGACAGTTCTATCAAGCTGACTTTTTTGTGCAACAGGTTCACTTTCAGCAT-3'
Protein context (NP_001263199.1, residues 282-302): SQLDRTVCIS[Asp292Gly]AGACGETLSV

ClinVar aggregate classification (germline): Uncertain significance. Review status: criteria provided, multiple submitters, no conflicts (2 of 4 stars). 2 submissions from 2 submitters: Uncertain significance (2). Last evaluated 2026-10-01.

Conditions:
Inborn genetic diseases. Identifiers: MedGen C0950123, MeSH D030342.
Tumor predisposition syndrome 2 (TPDS2). Also called: MBD4-ASSOCIATED NEOPLASIA SYNDROME; MBD4-Related Tumor Predisposition Syndrome; MBD4-associated neoplasia syndrome (MANS). Identifiers: Orphanet 661526, MedGen C5774186, MONDO:0859267, OMIM 619975.

Submissions (2):

St. Jude Molecular Pathology, St. Jude Children's Research Hospital
Classification: Uncertain significance for Tumor predisposition syndrome 2. Last evaluated: 2026-10-01. Review status: criteria provided, single submitter. Criteria: St. Jude Assertion Criteria 2020. Collection method: clinical testing. Allele origin: germline.
Comment: The M BD4 c.875A>G p.(Asp292Gly) missense change is absent in gnomAD v2.1.1. The in silico tool REVEL is inconclusive about a pathogenic or benign effect of this variant on protein function, and to our knowledge functional s tudies have not been performed. This variant has not been reported in individuals with MBD4-associated neoplasia syndrome. In summary, the evidence currently available is insufficient to determine the clinical significance of this variant. It has therefo re been classified as of uncertain significance (VUS-Low).

Ambry Genetics
Classification: Uncertain significance for Inborn genetic diseases. Last evaluated: 2026-06-14. Review status: criteria provided, single submitter. Criteria: Ambry Variant Classification Scheme 2023. Collection method: clinical testing. Allele origin: germline.
Comment: The p.D292G variant (also known as c.875A>G), located in coding exon 3 of the MBD4 gene, results from an A to G substitution at nucleotide position 875. The aspartic acid at codon 292 is replaced by glycine, an amino acid with similar properties. This amino acid position is conserved. In addition, the in silico prediction for this alteration is inconclusive. Based on the available evidence, the clinical significance of this variant remains unclear.